The following is an entry in ClinVar:

NM_000094.4(COL7A1):c.7202G>C (p.Gly2401Ala)

Gene: COL7A1 (collagen type VII alpha 1 chain; minus strand). Cytogenetic location: 3p21.31.
Variant type: single nucleotide variant.
Coding change: c.7202G>C on transcript NM_000094.4 (MANE Select); coding-DNA position 7202, G replaced by C.
Protein change: p.Gly2401Ala; replaces glycine 2401 with alanine.
Molecular consequence: missense variant.
Genome position (GRCh38, 1-based): chr3:48,570,931, C>G on the plus strand (G>C on the coding strand, the complement: COL7A1 is on the minus strand). VCF-style: chr3-48570931-C-G. GRCh37 (hg19) VCF-style: chr3-48608364-C-G.
Other names: short protein forms G2401A.
Identifiers: ClinVar variation 1489781 (VCV001489781.6), dbSNP rs1487726311, ClinGen allele CA352650438.
Genomic context (GRCh38, chr3:48,570,931, plus strand): 5'-CTAGGGCCTGGCTGACCCATCTCTCCTCGAGGGCCTGTCTGACCCGGGAACCCAACAACA[C>G]CAGGAGCACCGGGCAGGCCAGGGAGGCCCAGATCTCCCTGAAATAAAAACAGCAAAGGGA-3'
Protein context (NP_000085.1, residues 2391-2411): LGLPGLPGAP[Gly2401Ala]VVGFPGQTGP

ClinVar aggregate classification (germline): Uncertain significance (1 of 4 stars; one submission).

Submission:

Labcorp Genetics (formerly Invitae), Labcorp
Classification: Uncertain significance. Last evaluated: 2022-11-22. Review status: criteria provided, single submitter. Criteria: Invitae Variant Classification Sherloc (09022015). Collection method: clinical testing. Allele origin: germline.
Comment: ClinVar contains an entry for this variant (Variation ID: 1489781). In summary, the available evidence is currently insufficient to determine the role of this variant in disease. Therefore, it has been classified as a Variant of Uncertain Significance. This variant disrupts the triple helix domain of COL7A1. Glycine residues within the Gly-Xaa-Yaa repeats of the triple helix domain are required for the structure and stability of fibrillar collagens (PMID: 7695699, 8218237, 19344236), and variants at these glycine residues in COL7A1 are more frequently observed in individuals with disease than in the general population (PMID: 22058051). However, the clinical significance of this observation remains uncertain since only a limited number of affected individuals have been described to date. Advanced modeling of protein sequence and biophysical properties (such as structural, functional, and spatial information, amino acid conservation, physicochemical variation, residue mobility, and thermodynamic stability) performed at Invitae indicates that this missense variant is expected to disrupt COL7A1 protein function. This variant has not been reported in the literature in individuals affected with COL7A1-related conditions. This variant is not present in population databases (gnomAD no frequency). This sequence change replaces glycine, which is neutral and non-polar, with alanine, which is neutral and non-polar, at codon 2401 of the COL7A1 protein (p.Gly2401Ala).

Literature cited by the submitters: PubMed 7695699; PubMed 8218237; PubMed 19344236; PubMed 22058051.